The following is an entry in ClinVar:

ClinVar aggregate classification (germline): Likely benign. Review status: criteria provided, multiple submitters, no conflicts (2 of 4 stars). 8 submissions from 4 submitters: Likely benign (8). Last evaluated 2025-08-15.

Conditions:
Hereditary cryohydrocytosis with reduced stomatin. Also called: GLUT1 DEFICIENCY SYNDROME WITH PSEUDOHYPERKALEMIA AND HEMOLYSIS; Stomatin-deficient cryohydrocytosis with neurologic defects. Identifiers: Orphanet 168577, MedGen C1837206, MONDO:0012143, OMIM 608885.
Encephalopathy due to GLUT1 deficiency. Also called: Glucose transporter protein syndrome; GLUT1 deficiency syndrome 1; GLUT1 deficiency syndrome 1, infantile onset, severe; GLUCOSE TRANSPORT DEFECT, BLOOD-BRAIN BARRIER; De Vivo disease; Classic Glucose Transporter Type 1 Deficiency Syndrome. Identifiers: Orphanet 71277, MedGen C4551966, MONDO:0011724, OMIM 606777.
GLUT1 deficiency syndrome 1, autosomal recessive. Identifiers: MedGen C3149117.
Childhood onset GLUT1 deficiency syndrome 2. Also called: GLUT1 deficiency syndrome 2; PxMD-SLC2A1; Exertion-induced paroxysmal dyskinesia; Paroxysmal exercise-induced dystonia; PAROXYSMAL EXERCISE-INDUCED DYSKINESIA WITH OR WITHOUT EPILEPSY AND/OR HEMOLYTIC ANEMIA; PAROXYSMAL EXERTION-INDUCED DYSTONIA WITH OR WITHOUT EPILEPSY AND/OR HEMOLYTIC ANEMIA. Identifiers: Orphanet 98811, MedGen C1842534, MONDO:0012805, OMIM 612126.
Inborn genetic diseases. Identifiers: MedGen C0950123, MeSH D030342.
Dystonia 9 (DYT9). Also called: CHOREOATHETOSIS, KINESIGENIC, WITH EPISODIC ATAXIA AND SPASTICITY. Identifiers: Orphanet 53583, MedGen C1832855, MONDO:0010983, OMIM 601042.
Epilepsy, idiopathic generalized, susceptibility to, 12 (EIG12). Identifiers: MedGen C3553859, MONDO:0013919, OMIM 614847.

Allele frequency attached by ClinVar (database versions not stated): 1000 Genomes Project 30x 0.00016; 1000 Genomes Project 0.00020.
gnomAD v4.1: 62 of 1,600,828 alleles (0.0039%); highest among the groups gnomAD compares: Non-Finnish European, 0.005%; no homozygotes.

Submissions (8):

Labcorp Genetics (formerly Invitae), Labcorp
Classification: Likely benign for GLUT1 deficiency syndrome 1, autosomal recessive. Last evaluated: 2025-08-15. Review status: criteria provided, single submitter. Criteria: Invitae Variant Classification Sherloc (09022015). Collection method: clinical testing. Allele origin: germline.

Genome-Nilou Lab
Classification: Likely benign for Epilepsy, idiopathic generalized, susceptibility to, 12. Last evaluated: 2023-04-11. Review status: criteria provided, single submitter. Criteria: ACMG Guidelines, 2015. Collection method: clinical testing. Allele origin: germline. Affected: no.

Genome-Nilou Lab
Classification: Likely benign for Dystonia 9. Last evaluated: 2023-04-11. Review status: criteria provided, single submitter. Criteria: ACMG Guidelines, 2015. Collection method: clinical testing. Allele origin: germline. Affected: no.

Genome-Nilou Lab
Classification: Likely benign for Encephalopathy due to GLUT1 deficiency. Last evaluated: 2023-04-11. Review status: criteria provided, single submitter. Criteria: ACMG Guidelines, 2015. Collection method: clinical testing. Allele origin: germline. Affected: no.

Genome-Nilou Lab
Classification: Likely benign for Childhood onset GLUT1 deficiency syndrome 2. Last evaluated: 2023-04-11. Review status: criteria provided, single submitter. Criteria: ACMG Guidelines, 2015. Collection method: clinical testing. Allele origin: germline. Affected: no.

Genome-Nilou Lab
Classification: Likely benign for Hereditary cryohydrocytosis with reduced stomatin. Last evaluated: 2023-04-11. Review status: criteria provided, single submitter. Criteria: ACMG Guidelines, 2015. Collection method: clinical testing. Allele origin: germline. Affected: no.

CeGaT Center for Human Genetics Tuebingen
Classification: Likely benign. Last evaluated: 2022-03-01. Review status: criteria provided, single submitter. Criteria: CeGaT Center For Human Genetics Tuebingen Variant Classification Criteria Version 2. Collection method: clinical testing. Allele origin: germline. Affected: yes. Observed: 1 variant allele.
Comment: SLC2A1: BP4, BP7

Ambry Genetics
Classification: Likely benign for Inborn genetic diseases. Last evaluated: 2019-10-23. Review status: criteria provided, single submitter. Criteria: Ambry Variant Classification Scheme 2023. Collection method: clinical testing. Allele origin: germline.

NM_006516.4(SLC2A1):c.312C>T (p.Phe104=)

Gene: SLC2A1 (solute carrier family 2 member 1; minus strand). Cytogenetic location: 1p34.2.
Variant type: single nucleotide variant.
Coding change: c.312C>T on transcript NM_006516.4 (MANE Select); coding-DNA position 312, C replaced by T.
Protein change: p.Phe104=; no amino-acid change (phenylalanine 104 retained).
Molecular consequence: synonymous variant.
Genome position (GRCh38, 1-based): chr1:42,930,830, G>A on the plus strand (C>T on the coding strand, the complement: SLC2A1 is on the minus strand). VCF-style: chr1-42930830-G-A. GRCh37 (hg19) VCF-style: chr1-43396501-G-A.
Identifiers: ClinVar variation 1101313 (VCV001101313.43), dbSNP rs76672402, ClinGen allele CA803561.